The following is an entry in ClinVar:

NM_003079.5(SMARCE1):c.57G>T (p.Met19Ile)

Gene: SMARCE1 (SWI/SNF related BAF chromatin remodeling complex subunit E1; minus strand). Cytogenetic location: 17q21.2.
Variant type: single nucleotide variant.
Coding change: c.57G>T on transcript NM_003079.5 (MANE Select); coding-DNA position 57, G replaced by T.
Protein change: p.Met19Ile; replaces methionine 19 with isoleucine.
Molecular consequence: missense variant.
Genome position (GRCh38, 1-based): chr17:40,642,554, C>A on the plus strand (G>T on the coding strand, the complement: SMARCE1 is on the minus strand). VCF-style: chr17-40642554-C-A. GRCh37 (hg19) VCF-style: chr17-38798806-C-A.
Other names: short protein forms M19I.
Identifiers: ClinVar variation 407067 (VCV000407067.14), dbSNP rs142279746, ClinGen allele CA8545329.

ClinVar aggregate classification (germline): Conflicting classifications of pathogenicity. Review status: criteria provided, conflicting classifications (1 of 4 stars). 2 submissions from 2 submitters: Uncertain significance (1); Likely benign (1). Last evaluated 2025-10-23.

Conditions:
Hereditary cancer-predisposing syndrome. Also called: Hereditary Cancer Syndrome; Hereditary neoplastic syndrome; Neoplastic Syndromes, Hereditary; Tumor predisposition. Identifiers: Orphanet 140162, MedGen C0027672, MeSH D009386, MONDO:0015356.
Familial meningioma. Also called: Meningioma, familial, susceptibility to. Identifiers: Orphanet 263662, MedGen C3551915, MONDO:0011789, OMIM 607174.

Allele frequency attached by ClinVar (database versions not stated): gnomAD exomes below 0.00001; ExAC 0.00001; TOPMed 0.00002; gnomAD 0.00003 and 0.00004; ESP Exome Variant Server 0.00008.

Submissions (2):

Labcorp Genetics (formerly Invitae), Labcorp
Classification: Uncertain significance for Familial meningioma. Last evaluated: 2025-10-23. Review status: criteria provided, single submitter. Criteria: Invitae Variant Classification Sherloc (09022015). Collection method: clinical testing. Allele origin: germline.
Comment: This sequence change replaces methionine, which is neutral and non-polar, with isoleucine, which is neutral and non-polar, at codon 19 of the SMARCE1 protein (p.Met19Ile). This variant is present in population databases (rs142279746, gnomAD 0.002%). This missense change has been observed in individual(s) with cutaneous melanoma (PMID: 29625052). ClinVar contains an entry for this variant (Variation ID: 407067). Invitae Evidence Modeling of protein sequence and biophysical properties (such as structural, functional, and spatial information, amino acid conservation, physicochemical variation, residue mobility, and thermodynamic stability) indicates that this missense variant is not expected to disrupt SMARCE1 protein function with a negative predictive value of 80%. In summary, the available evidence is currently insufficient to determine the role of this variant in disease. Therefore, it has been classified as a Variant of Uncertain Significance.

Ambry Genetics
Classification: Likely benign for Hereditary cancer-predisposing syndrome. Last evaluated: 2023-03-31. Review status: criteria provided, single submitter. Criteria: Ambry Variant Classification Scheme 2023. Collection method: clinical testing. Allele origin: germline.

Literature cited by the submitters: PubMed 29625052 (cited by Labcorp Genetics (formerly Invitae), Labcorp).